The following is an entry in ClinVar:

ClinVar aggregate classification (germline): Likely benign (1 of 4 stars; one submission).

Submission:

CeGaT Center for Human Genetics Tuebingen
Classification: Likely benign. Last evaluated: 2025-02-01. Review status: criteria provided, single submitter. Criteria: CeGaT Center For Human Genetics Tuebingen Variant Classification Criteria Version 2. Collection method: clinical testing. Allele origin: germline. Affected: yes. Observed: 1 variant allele.
Comment: MAP2K1: PM2:Supporting, BP4, BP7

NM_002755.4(MAP2K1):c.*28C>G

Genes: MAP2K1 (mitogen-activated protein kinase kinase 1; plus strand), SNAPC5 (small nuclear RNA activating complex polypeptide 5; minus strand). Cytogenetic location: 15q22.31.
Variant type: single nucleotide variant.
Coding change: c.*28C>G on transcript NM_002755.4 (MANE Select); 28 bases downstream of the stop codon, C replaced by G.
Molecular consequence: 3 prime UTR variant. On other transcripts: non-coding transcript variant (1).
Genome position (GRCh38, 1-based): chr15:66,490,643, C>G. VCF-style: chr15-66490643-C-G. GRCh37 (hg19) VCF-style: chr15-66782981-C-G.
Other names: c.*96G>C (NM_006049.4); c.*28C>G (NM_001411065.1).
Identifiers: ClinVar variation 3771956 (VCV003771956.13).